The following is an entry in ClinVar:

NM_024757.5(EHMT1):c.827G>C (p.Cys276Ser)

Gene: EHMT1 (euchromatic histone lysine methyltransferase 1; plus strand). Cytogenetic location: 9q34.3.
Variant type: single nucleotide variant.
Coding change: c.827G>C on transcript NM_024757.5 (MANE Select); coding-DNA position 827, G replaced by C.
Protein change: p.Cys276Ser; replaces cysteine 276 with serine.
Molecular consequence: missense variant. On other transcripts: intron variant (1).
Genome position (GRCh38, 1-based): chr9:137,743,374, G>C. VCF-style: chr9-137743374-G-C. GRCh37 (hg19) VCF-style: chr9-140637826-G-C.
Other names: c.827G>C, p.Cys276Ser (NM_001145527.2, NM_001354611.2); c.734G>C, p.Cys245Ser (NM_001354259.2, NM_001354612.2); c.824-18G>C (NM_001354263.2); short protein forms C276S, C245S.
Identifiers: ClinVar variation 1046978 (VCV001046978.6), dbSNP rs1415240278, ClinGen allele CA375777464.

ClinVar aggregate classification (germline): Uncertain significance (1 of 4 stars; one submission).

Conditions:
Kleefstra syndrome 1 (KLEFS1). Identifiers: Orphanet 261494, MedGen C0795833, MONDO:0027407, OMIM 610253.

Allele frequency attached by ClinVar (database versions not stated): gnomAD exomes below 0.00001; TOPMed 0.00001.
gnomAD v4.1: 1 of 1,548,198 alleles (0.000065%); highest among the groups gnomAD compares: Non-Finnish European, 0.000086%; no homozygotes.

Submission:

Labcorp Genetics (formerly Invitae), Labcorp
Classification: Uncertain significance for Kleefstra syndrome 1. Last evaluated: 2024-11-18. Review status: criteria provided, single submitter. Criteria: Invitae Variant Classification Sherloc (09022015). Collection method: clinical testing. Allele origin: germline.
Comment: This sequence change replaces cysteine, which is neutral and slightly polar, with serine, which is neutral and polar, at codon 276 of the EHMT1 protein (p.Cys276Ser). This variant is not present in population databases (gnomAD no frequency). This variant has not been reported in the literature in individuals affected with EHMT1-related conditions. ClinVar contains an entry for this variant (Variation ID: 1046978). An algorithm developed to predict the effect of missense changes on protein structure and function outputs the following: PolyPhen-2: "Benign". The serine amino acid residue is found in multiple mammalian species, which suggests that this missense change does not adversely affect protein function. In summary, the available evidence is currently insufficient to determine the role of this variant in disease. Therefore, it has been classified as a Variant of Uncertain Significance.